The following is an entry in ClinVar:

NM_000138.5(FBN1):c.7991C>T (p.Ser2664Phe)

Gene: FBN1 (fibrillin 1; minus strand). Cytogenetic location: 15q21.1.
Variant type: single nucleotide variant.
Coding change: c.7991C>T on transcript NM_000138.5 (MANE Select); coding-DNA position 7991, C replaced by T.
Protein change: p.Ser2664Phe; replaces serine 2664 with phenylalanine.
Molecular consequence: missense variant.
Genome position (GRCh38, 1-based): chr15:48,415,596, G>A on the plus strand (C>T on the coding strand, the complement: FBN1 is on the minus strand). VCF-style: chr15-48415596-G-A. GRCh37 (hg19) VCF-style: chr15-48707793-G-A.
Other names: short protein forms S2664F.
Identifiers: ClinVar variation 924642 (VCV000924642.8), dbSNP rs2042896586, ClinGen allele CA392322754.

ClinVar aggregate classification (germline): Uncertain significance. Review status: criteria provided, multiple submitters, no conflicts (2 of 4 stars). 2 submissions from 2 submitters: Uncertain significance (2). Last evaluated 2023-12-04.

Conditions:
Familial thoracic aortic aneurysm and aortic dissection (TAAD). Also called: Thoracic aortic aneurysms and dissections. Identifiers: Orphanet 91387, MedGen C4707243, MONDO:0019625.
Marfan syndrome (MFS). Also called: Marfan syndrome, classic; Marfan syndrome type 1; Marfan's syndrome; FBN1-Related Marfan Syndrome; MARFAN SYNDROME, TYPE I. Identifiers: Orphanet 284963, Orphanet 558, MedGen C0024796, MONDO:0007947, OMIM 154700.

Submissions (2):

Color Diagnostics, LLC DBA Color Health
Classification: Uncertain significance for Familial thoracic aortic aneurysm and aortic dissection. Last evaluated: 2023-12-04. Review status: criteria provided, single submitter. Criteria: ACMG Guidelines, 2015. Collection method: clinical testing. Allele origin: germline.
Comment: Variant of Uncertain Significance due to insufficient evidence: This missense variant replaces serine with phenylalanine at codon 2664 of the FBN1 protein. Computational prediction tools and conservation analyses are inconclusive regarding the impact of this variant on the protein function. Computational splicing tools suggest that this variant may not impact RNA splicing. To our knowledge, functional assays have not been performed for this variant nor has this variant been reported in individuals affected with cardiovascular disorders in the literature. This variant is rare in the general population and has been identified in 0/277264 chromosomes by the Genome Aggregation Database (gnomAD). Available evidence is insufficient to determine the role of this variant in disease conclusively.

Labcorp Genetics (formerly Invitae), Labcorp
Classification: Uncertain significance for Marfan syndrome; Familial thoracic aortic aneurysm and aortic dissection. Last evaluated: 2023-02-01. Review status: criteria provided, single submitter. Criteria: Invitae Variant Classification Sherloc (09022015). Collection method: clinical testing. Allele origin: germline.
Comment: Advanced modeling of protein sequence and biophysical properties (such as structural, functional, and spatial information, amino acid conservation, physicochemical variation, residue mobility, and thermodynamic stability) has been performed at Invitae for this missense variant, however the output from this modeling did not meet the statistical confidence thresholds required to predict the impact of this variant on FBN1 protein function. ClinVar contains an entry for this variant (Variation ID: 924642). This missense change has been observed in individual(s) with clinical features of FBN1-related conditions (Invitae). This variant is not present in population databases (gnomAD no frequency). This sequence change replaces serine, which is neutral and polar, with phenylalanine, which is neutral and non-polar, at codon 2664 of the FBN1 protein (p.Ser2664Phe). In summary, the available evidence is currently insufficient to determine the role of this variant in disease. Therefore, it has been classified as a Variant of Uncertain Significance.